The following is an entry in ClinVar:

NM_001267550.2(TTN):c.84893G>A (p.Arg28298Gln)

Genes: TTN (titin; minus strand), TTN-AS1 (TTN antisense RNA 1; plus strand). Cytogenetic location: 2q31.2.
Variant type: single nucleotide variant.
Coding change: c.84893G>A on transcript NM_001267550.2 (MANE Select); coding-DNA position 84893, G replaced by A.
Protein change: p.Arg28298Gln; replaces arginine 28298 with glutamine.
Molecular consequence: missense variant.
Genome position (GRCh38, 1-based): chr2:178,561,239, C>T on the plus strand (G>A on the coding strand, the complement: TTN is on the minus strand). VCF-style: chr2-178561239-C-T. GRCh37 (hg19) VCF-style: chr2-179425966-C-T.
Other names: c.79970G>A, p.Arg26657Gln (NM_001256850.1); c.57698G>A, p.Arg19233Gln (NM_003319.4); c.77189G>A, p.Arg25730Gln (NM_133378.4); c.58073G>A, p.Arg19358Gln (NM_133432.3); c.58274G>A, p.Arg19425Gln (NM_133437.4); short protein forms R25730Q, R28298Q, R26657Q, R19233Q, R19425Q, R19358Q.
Identifiers: ClinVar variation 178182 (VCV000178182.46), dbSNP rs187270666, ClinGen allele CA181682.

ClinVar aggregate classification (germline): Conflicting classifications of pathogenicity. Review status: criteria provided, conflicting classifications (1 of 4 stars). 18 submissions from 14 submitters: Uncertain significance (3); Benign (7); Likely benign (5). 3 of the submissions do not count toward it. Last evaluated 2026-01-28.

Conditions:
TTN-related disorder. Also called: TTN-related disorders; TTN-related condition; TTN-related disease.
Cardiovascular phenotype. Identifiers: MedGen CN230736.
Dilated cardiomyopathy 1G (CMD1G). Identifiers: Orphanet 154, MedGen C1858763, MONDO:0011400, OMIM 604145.
Autosomal recessive limb-girdle muscular dystrophy type 2J (LGMDR10). Also called: Limb-girdle muscular dystrophy, type 2J; MUSCULAR DYSTROPHY, LIMB-GIRDLE, AUTOSOMAL RECESSIVE 10. Identifiers: Orphanet 140922, MedGen C1837342, MONDO:0012127, OMIM 608807.
Cardiomyopathy (CMYO). Also called: Cardiomyopathies. Identifiers: Orphanet 167848, MedGen C0878544, MONDO:0004994, HP:0001638. Inheritance: Various modes of inheritance.
Early-onset myopathy with fatal cardiomyopathy (CMYO5). Also called: CONGENITAL MYOPATHY 5 WITH CARDIOMYOPATHY; Salih Myopathy. Identifiers: Orphanet 289377, MedGen C2673677, MONDO:0012714, OMIM 611705. Disease mechanism: loss of function.
Tibial muscular dystrophy (TMD). Also called: UDD MYOPATHY; Tibial muscular dystrophy, tardive; Udd Distal Myopathy – Tibial Muscular Dystrophy. Identifiers: Orphanet 609, MedGen C1838244, MONDO:0010870, OMIM 600334.
Myopathy, myofibrillar, 9, with early respiratory failure (MFM9). Also called: Hereditary myopathy with early respiratory failure; MYOPATHY, PROXIMAL, WITH EARLY RESPIRATORY MUSCLE INVOLVEMENT; EDSTROM MYOPATHY; Myopathy, distal, with early respiratory failure, autosomal dominant. Identifiers: Orphanet 178464, Orphanet 34521, MedGen C1863599, MONDO:0011362, OMIM 603689.

Allele frequency attached by ClinVar (database versions not stated): ESP Exome Variant Server 0.00008; TOPMed 0.00014; 1000 Genomes Project 0.00060; 1000 Genomes Project 30x 0.00062; ExAC 0.00121; gnomAD exomes 0.00131; gnomAD 0.00255.
gnomAD v4.1: 1,064 of 1,613,644 alleles (0.066%); highest among the groups gnomAD compares: East Asian, 0.02%; 6 homozygotes.

Submissions (18):

Labcorp Genetics (formerly Invitae), Labcorp
Classification: Benign for Dilated cardiomyopathy 1G; Autosomal recessive limb-girdle muscular dystrophy type 2J. Last evaluated: 2026-01-28. Review status: criteria provided, single submitter. Criteria: Invitae Variant Classification Sherloc (09022015). Collection method: clinical testing. Allele origin: germline.

Molecular Diagnostic Laboratory for Inherited Cardiovascular Disease, Montreal Heart Institute
Classification: Likely benign. Last evaluated: 2025-04-09. Review status: criteria provided, single submitter. Criteria: ACMG Guidelines, 2015. Collection method: clinical testing. Allele origin: germline. Affected: no.

CeGaT Center for Human Genetics Tuebingen
Classification: Likely benign. Last evaluated: 2025-03-01. Review status: criteria provided, single submitter. Criteria: CeGaT Center For Human Genetics Tuebingen Variant Classification Criteria Version 2. Collection method: clinical testing. Allele origin: germline. Affected: yes. Observed: 1 variant allele.
Comment: TTN: BS1

Blueprint Genetics
Classification: Likely benign. Last evaluated: 2024-11-11. Review status: criteria provided, single submitter. Criteria: ACMG Guidelines, 2015. Collection method: clinical testing. Allele origin: germline.

Mayo Clinic Laboratories, Mayo Clinic
Classification: Benign. Last evaluated: 2024-10-30. Review status: criteria provided, single submitter. Criteria: ACMG Guidelines, 2015. Collection method: clinical testing. Allele origin: germline. Observed: 1 variant allele.
Comment: BS1, BS2, BP4

GeneDx
Classification: Likely benign. Last evaluated: 2021-03-29. Review status: criteria provided, single submitter. Criteria: GeneDx Variant Classification Process June 2021. Collection method: clinical testing. Allele origin: germline. Affected: yes.

Illumina Laboratory Services, Illumina
Classification: Uncertain significance for Dilated cardiomyopathy 1G. Last evaluated: 2018-01-13. Review status: criteria provided, single submitter. Criteria: ICSL Variant Classification Criteria 13 December 2019. Collection method: clinical testing. Allele origin: germline.

Illumina Laboratory Services, Illumina
Classification: Benign for Myopathy, myofibrillar, 9, with early respiratory failure. Last evaluated: 2018-01-13. Review status: criteria provided, single submitter. Criteria: ICSL Variant Classification Criteria 13 December 2019. Collection method: clinical testing. Allele origin: germline.
Comment: This variant was observed in the ICSL laboratory as part of a predisposition screen in an ostensibly healthy population. It had not been previously curated by ICSL or reported in the Human Gene Mutation Database (HGMD: prior to June 1st, 2018), and was therefore a candidate for classification through an automated scoring system. Utilizing variant allele frequency, disease prevalence and penetrance estimates, and inheritance mode, an automated score was calculated to assess if this variant is too frequent to cause the disease. Based on the score and internal cut-off values, a variant classified as benign is not then subjected to further curation. The score for this variant resulted in a classification of benign for this disease.

Illumina Laboratory Services, Illumina
Classification: Benign for Tibial muscular dystrophy. Last evaluated: 2018-01-13. Review status: criteria provided, single submitter. Criteria: ICSL Variant Classification Criteria 13 December 2019. Collection method: clinical testing. Allele origin: germline.
Comment: the same text as in the submission from Illumina Laboratory Services, Illumina above.

Illumina Laboratory Services, Illumina
Classification: Uncertain significance for Autosomal recessive limb-girdle muscular dystrophy type 2J. Last evaluated: 2018-01-13. Review status: criteria provided, single submitter. Criteria: ICSL Variant Classification Criteria 13 December 2019. Collection method: clinical testing. Allele origin: germline.

Illumina Laboratory Services, Illumina
Classification: Uncertain significance for Early-onset myopathy with fatal cardiomyopathy. Last evaluated: 2018-01-13. Review status: criteria provided, single submitter. Criteria: ICSL Variant Classification Criteria 13 December 2019. Collection method: clinical testing. Allele origin: germline.

Laboratory for Molecular Medicine, Mass General Brigham Personalized Medicine
Classification: Benign. Last evaluated: 2017-12-08. Review status: criteria provided, single submitter. Criteria: LMM Criteria. Collection method: clinical testing. Allele origin: germline. Observed: 2 variant alleles.
Comment: The p.Arg25730Gln variant in TTN has not been previously reported in individuals /any other families with cardiomyopathy, but has been identified in 1.17% (302/2 76280) of European Finnish chromosomes and 84/276280 European chromosomes by the Genome Aggregation Database (gnomAD; dnSNP rs 187270666). ACMG/AMP Criteria applied: BA1; BP4.

CHEO Genetics Diagnostic Laboratory, Children's Hospital of Eastern Ontario
Classification: Likely benign for Cardiomyopathy. Last evaluated: 2016-12-09. Review status: criteria provided, single submitter. Criteria: ACMG Guidelines, 2015. Collection method: clinical testing. Allele origin: germline. Study: Canadian Open Genetics Repository.

Ambry Genetics
Classification: Benign for Cardiovascular phenotype. Last evaluated: 2016-11-22. Review status: criteria provided, single submitter. Criteria: Ambry Variant Classification Scheme 2023. Collection method: clinical testing. Allele origin: germline.

Eurofins Ntd Llc (ga)
Classification: Benign. Last evaluated: 2016-01-22. Review status: criteria provided, single submitter. Criteria: EGL Classification Definitions 2015. Collection method: clinical testing. Allele origin: germline. Observed: 1 variant allele, 1 heterozygote.

PreventionGenetics, part of Exact Sciences
Classification: Benign for TTN-related condition. Last evaluated: 2020-03-02. Review status: no assertion criteria provided. Collection method: clinical testing. Allele origin: germline. Not counted in ClinVar's aggregate classification.
Comment: This variant is classified as benign based on ACMG/AMP sequence variant interpretation guidelines (Richards et al. 2015 PMID: 25741868, with internal and published modifications).

Clinical Genetics DNA and cytogenetics Diagnostics Lab, Erasmus MC, Erasmus Medical Center
Classification: Likely benign. Review status: no assertion criteria provided. Collection method: clinical testing. Allele origin: germline. Affected: yes. Study: VKGL Data-share Consensus. Not counted in ClinVar's aggregate classification.

Diagnostic Laboratory, Department of Genetics, University Medical Center Groningen
Classification: Likely benign. Review status: no assertion criteria provided. Collection method: clinical testing. Allele origin: germline. Affected: yes. Study: VKGL Data-share Consensus. Not counted in ClinVar's aggregate classification.